The following is an entry in ClinVar:

ClinVar aggregate classification (germline): Uncertain significance (1 of 4 stars; one submission).

Conditions:
NRP2-related disorder. Also called: NRP2-related condition.

gnomAD v4.1: 1 of 1,614,136 alleles (0.000062%); highest among the groups gnomAD compares: Non-Finnish European, 0.000085%; no homozygotes.

Submission:

PreventionGenetics, part of Exact Sciences
Classification: Uncertain significance for NRP2-related condition. Last evaluated: 2024-12-04. Review status: criteria provided, single submitter. Criteria: ACMG Guidelines, 2015. Collection method: clinical testing. Allele origin: germline.
Comment: The NRP2 c.1119G>T variant is predicted to result in the amino acid substitution p.Met373Ile. To our knowledge, this variant has not been reported in the literature or in a large population database (gnomAD), indicating this variant is rare. At this time, the clinical significance of this variant is uncertain due to the absence of conclusive functional and genetic evidence.

NM_003872.3(NRP2):c.1119G>T (p.Met373Ile)

Gene: NRP2 (neuropilin 2; plus strand). Cytogenetic location: 2q33.3.
Variant type: single nucleotide variant.
Coding change: c.1119G>T on transcript NM_003872.3 (MANE Select); coding-DNA position 1119, G replaced by T.
Protein change: p.Met373Ile; replaces methionine 373 with isoleucine.
Molecular consequence: missense variant.
Genome position (GRCh38, 1-based): chr2:205,728,019, G>T. VCF-style: chr2-205728019-G-T. GRCh37 (hg19) VCF-style: chr2-206592743-G-T.
Other names: c.1119G>T, p.Met373Ile (NM_018534.4, NM_201264.2, NM_201266.2 and 2 more transcripts); short protein forms M373I.
Identifiers: ClinVar variation 5002571 (VCV005002571.1).